The following is an entry in ClinVar:

NM_000038.6(APC):c.811A>C (p.Met271Leu)

Gene: APC (APC regulator of Wnt signaling pathway; plus strand). Cytogenetic location: 5q22.2.
Variant type: single nucleotide variant.
Coding change: c.811A>C on transcript NM_000038.6 (MANE Select); coding-DNA position 811, A replaced by C.
Protein change: p.Met271Leu; replaces methionine 271 with leucine.
Molecular consequence: missense variant. On other transcripts: 5 prime UTR variant (1).
Genome position (GRCh38, 1-based): chr5:112,801,360, A>C. VCF-style: chr5-112801360-A-C. GRCh37 (hg19) VCF-style: chr5-112137057-A-C.
Other names: c.634A>C, p.Met212Leu (NM_001354901.2, NM_001354905.2, NM_001354900.2); c.841A>C, p.Met281Leu (NM_001354902.2, NM_001354897.2); c.811A>C, p.Met271Leu (NM_001354903.2, NM_001127510.3, NM_001354895.2 and 1 more transcripts); c.736A>C, p.Met246Leu (NM_001354904.2, NM_001354898.2); c.-225A>C (NM_001354906.2); c.757A>C, p.Met253Leu (NM_001127511.3); c.727A>C, p.Met243Leu (NM_001354899.2); short protein forms M253L, M271L, M246L, M243L, M212L, M281L.
Identifiers: ClinVar variation 490372 (VCV000490372.7), dbSNP rs587781464, ClinGen allele CA16023102.
Genomic context (GRCh38, chr5:112,801,360, plus strand): 5'-GAAACCGGCTCACATGATGCTGAGCGGCAGAATGAAGGTCAAGGAGTGGGAGAAATCAAC[A>C]TGGCAACTTCTGGTAATGGTCAGGTAAATAAATTATTTTATCATATTTTTTAAAATTATT-3'
Protein context (NP_000029.2, residues 261-281): NEGQGVGEIN[Met271Leu]ATSGNGQGST

ClinVar aggregate classification (germline): Uncertain significance. Review status: criteria provided, multiple submitters, no conflicts (2 of 4 stars). 2 submissions from 2 submitters: Uncertain significance (2). Last evaluated 2026-07-16.

Conditions:
Hereditary cancer-predisposing syndrome. Also called: Neoplastic Syndromes, Hereditary; Hereditary neoplastic syndrome; Hereditary Cancer Syndrome; Tumor predisposition. Identifiers: Orphanet 140162, MedGen C0027672, MeSH D009386, MONDO:0015356.

Submissions (2):

Ambry Genetics
Classification: Uncertain significance for Hereditary cancer-predisposing syndrome. Last evaluated: 2026-07-16. Review status: criteria provided, single submitter. Criteria: Ambry Variant Classification Scheme 2023. Collection method: clinical testing. Allele origin: germline.
Comment: The p.M271L variant (also known as c.811A>C), located in coding exon 7 of the APC gene, results from an A to C substitution at nucleotide position 811. The methionine at codon 271 is replaced by leucine, an amino acid with highly similar properties. This amino acid position is not well conserved in available vertebrate species. In addition, in silico predictors for this gene do not accurately predict pathogenicity. Missense variants in APC are not a common cause of disease (Spier I et al. Genet Med. 2024 Feb;26(2):100992). Based on the available evidence, the clinical significance of this variant remains unclear.

Color Diagnostics, LLC DBA Color Health
Classification: Uncertain significance for Hereditary cancer-predisposing syndrome. Last evaluated: 2023-12-05. Review status: criteria provided, single submitter. Criteria: ACMG Guidelines, 2015. Collection method: clinical testing. Allele origin: germline.
Comment: This missense variant replaces methionine with leucine at codon 271 of the APC protein. Computational prediction suggests that this variant may not impact protein structure and function (internally defined REVEL score threshold <= 0.5, PMID: 27666373). To our knowledge, functional studies have not been reported for this variant. This variant has not been reported in individuals affected with APC-related disorders in the literature. This variant has not been identified in the general population by the Genome Aggregation Database (gnomAD). The available evidence is insufficient to determine the role of this variant in disease conclusively. Therefore, this variant is classified as a Variant of Uncertain Significance.